The following is an entry in ClinVar:

NM_004560.4(ROR2):c.*521G>A

Gene: ROR2 (receptor tyrosine kinase like orphan receptor 2; minus strand). Cytogenetic location: 9q22.31.
Variant type: single nucleotide variant.
Coding change: c.*521G>A on transcript NM_004560.4 (MANE Select); 521 bases downstream of the stop codon, G replaced by A.
Molecular consequence: 3 prime UTR variant.
Genome position (GRCh38, 1-based): chr9:91,723,141, C>T on the plus strand (G>A on the coding strand, the complement: ROR2 is on the minus strand). VCF-style: chr9-91723141-C-T. GRCh37 (hg19) VCF-style: chr9-94485423-C-T.
Identifiers: ClinVar variation 367487 (VCV000367487.5), dbSNP rs147339603, ClinGen allele CA10630544.

ClinVar aggregate classification (germline): Benign/Likely benign. Review status: criteria provided, single submitter (1 of 4 stars). 2 submissions from 1 submitter: Benign (1); Likely benign (1). Last evaluated 2018-01-13.

Conditions:
Brachydactyly type B1 (BDB1). Identifiers: Orphanet 572385, Orphanet 93383, MedGen C1862112, MONDO:0007220, OMIM 113000.
Autosomal recessive Robinow syndrome (RRS1). Also called: ROBINOW SYNDROME, AUTOSOMAL RECESSIVE 1; COSTOVERTEBRAL SEGMENTATION DEFECT WITH MESOMELIA; COVESDEM SYNDROME; ROR2-Related Robinow Syndrome. Identifiers: Orphanet 1507, Orphanet 97360, MedGen C5399974, MONDO:0009999, OMIM 268310.

Allele frequency attached by ClinVar (database versions not stated): gnomAD 0.00005 and 0.00008; TOPMed 0.00006; gnomAD exomes 0.00013; 1000 Genomes Project 30x 0.00047; 1000 Genomes Project 0.00060.
gnomAD v4.1: 13 of 160,384 alleles (0.0081%); highest among the groups gnomAD compares: East Asian, 0.15%; no homozygotes.

Submissions (2):

Illumina Laboratory Services, Illumina
Classification: Benign for Brachydactyly type B1. Last evaluated: 2018-01-13. Review status: criteria provided, single submitter. Criteria: ICSL Variant Classification Criteria 13 December 2019. Collection method: clinical testing. Allele origin: germline.
Comment: This variant was observed in the ICSL laboratory as part of a predisposition screen in an ostensibly healthy population. It had not been previously curated by ICSL or reported in the Human Gene Mutation Database (HGMD: prior to June 1st, 2018), and was therefore a candidate for classification through an automated scoring system. Utilizing variant allele frequency, disease prevalence and penetrance estimates, and inheritance mode, an automated score was calculated to assess if this variant is too frequent to cause the disease. Based on the score and internal cut-off values, a variant classified as benign is not then subjected to further curation. The score for this variant resulted in a classification of benign for this disease.

Illumina Laboratory Services, Illumina
Classification: Likely benign for Autosomal recessive Robinow syndrome. Last evaluated: 2018-01-13. Review status: criteria provided, single submitter. Criteria: ICSL Variant Classification Criteria 13 December 2019. Collection method: clinical testing. Allele origin: germline.
Comment: This variant was observed in the ICSL laboratory as part of a predisposition screen in an ostensibly healthy population. It had not been previously curated by ICSL or reported in the Human Gene Mutation Database (HGMD: prior to June 1st, 2018), and was therefore a candidate for classification through an automated scoring system. Utilizing variant allele frequency, disease prevalence and penetrance estimates, and inheritance mode, an automated score was calculated to assess if this variant is too frequent to cause the disease. Based on the score and internal cut-off values, a variant classified as likely benign is not then subjected to further curation. The score for this variant resulted in a classification of likely benign for this disease.